The following is an entry in ClinVar:

NM_012186.3(FOXE3):c.854C>A (p.Pro285His)

Genes: FOXE3 (forkhead box E3; plus strand), LINC01389 (long independently transcribed non-coding RNA 1389; minus strand). Cytogenetic location: 1p33.
Variant type: single nucleotide variant.
Coding change: c.854C>A on transcript NM_012186.3 (MANE Select); coding-DNA position 854, C replaced by A.
Protein change: p.Pro285His; replaces proline 285 with histidine.
Molecular consequence: missense variant.
Genome position (GRCh38, 1-based): chr1:47,417,169, C>A. VCF-style: chr1-47417169-C-A. GRCh37 (hg19) VCF-style: chr1-47882841-C-A.
Other names: short protein forms P285H.
Identifiers: ClinVar variation 1385646 (VCV001385646.12), dbSNP rs1184373895, ClinGen allele CA340250854.
Genomic context (GRCh38, chr1:47,417,169, plus strand): 5'-TCCCCGACCGCCTGGTACTGCCCGCGACGCGCCCCGGCCCCGGCCCGCTGCCCGCTGAGC[C>A]CCTCCTGGCCTTGGCCGGGCCGGCAGCCGCTCTCGGCCCGCTCAGCCCTGGGGAGGCCTA-3'
Protein context (NP_036318.1, residues 275-295): RPGPGPLPAE[Pro285His]LLALAGPAAA

ClinVar aggregate classification (germline): Uncertain significance. Review status: criteria provided, multiple submitters, no conflicts (2 of 4 stars). 3 submissions from 3 submitters: Uncertain significance (3). Last evaluated 2026-08-13.

Conditions:
FOXE3-related disorder. Also called: FOXE3-related condition.
Congenital primary aphakia. Also called: ANTERIOR SEGMENT DYSGENESIS 2; Anterior segment dysgenesis 2, multiple subtypes. Identifiers: Orphanet 83461, MedGen C1853230, MONDO:0012456, OMIM 610256.
Anterior segment dysgenesis. Also called: Ocular anterior segment dysgenesis. Identifiers: Orphanet 88632, MedGen C1862839, MONDO:0019503, HP:0007700.
Cardiovascular phenotype. Identifiers: MedGen CN230736.

Allele frequency attached by ClinVar (database versions not stated): gnomAD 0.00001; TOPMed 0.00003.
gnomAD v4.1: 44 of 1,389,184 alleles (0.0032%); highest among the groups gnomAD compares: Non-Finnish European, 0.0038%; no homozygotes.

Submissions (3):

PreventionGenetics, part of Exact Sciences
Classification: Uncertain significance for FOXE3-related condition. Last evaluated: 2026-08-13. Review status: criteria provided, single submitter. Criteria: ACMG Guidelines, 2015. Collection method: clinical testing. Allele origin: germline.
Comment: The FOXE3 c.854C>A variant is predicted to result in the amino acid substitution p.Pro285His. To our knowledge, this variant has not been reported in the literature. This variant is absent in a large population database (gnomAD). At this time, the clinical significance of this variant is uncertain due to the absence of conclusive functional and genetic evidence.

Labcorp Genetics (formerly Invitae), Labcorp
Classification: Uncertain significance for Anterior segment dysgenesis; Congenital primary aphakia. Last evaluated: 2025-07-03. Review status: criteria provided, single submitter. Criteria: Invitae Variant Classification Sherloc (09022015). Collection method: clinical testing. Allele origin: germline.
Comment: This sequence change replaces proline, which is neutral and non-polar, with histidine, which is basic and polar, at codon 285 of the FOXE3 protein (p.Pro285His). This variant is not present in population databases (gnomAD no frequency). This variant has not been reported in the literature in individuals affected with FOXE3-related conditions. ClinVar contains an entry for this variant (Variation ID: 1385646). An algorithm developed to predict the effect of missense changes on protein structure and function (PolyPhen-2) suggests that this variant is likely to be disruptive. In summary, the available evidence is currently insufficient to determine the role of this variant in disease. Therefore, it has been classified as a Variant of Uncertain Significance.

Ambry Genetics
Classification: Uncertain significance for Cardiovascular phenotype. Last evaluated: 2024-11-20. Review status: criteria provided, single submitter. Criteria: Ambry Variant Classification Scheme 2023. Collection method: clinical testing. Allele origin: germline.